The following is an entry in ClinVar:

ClinVar aggregate classification (germline): Uncertain significance. Review status: criteria provided, multiple submitters, no conflicts (2 of 4 stars). 2 submissions from 2 submitters: Uncertain significance (2). Last evaluated 2024-05-17.

Allele frequency attached by ClinVar (database versions not stated): ExAC 0.00001; TOPMed 0.00002.
gnomAD v4.1: 3 of 1,614,266 alleles (0.00019%); highest among the groups gnomAD compares: African/African-American, 0.0013%; no homozygotes.

Submissions (2):

GeneDx
Classification: Uncertain significance. Last evaluated: 2024-05-17. Review status: criteria provided, single submitter. Criteria: GeneDx Variant Classification Process June 2021. Collection method: clinical testing. Allele origin: germline. Affected: yes.
Comment: Not observed at significant frequency in large population cohorts (gnomAD); In silico analysis supports that this missense variant has a deleterious effect on protein structure/function; Has not been previously published as pathogenic or benign to our knowledge

Labcorp Genetics (formerly Invitae), Labcorp
Classification: Uncertain significance. Last evaluated: 2022-03-16. Review status: criteria provided, single submitter. Criteria: Invitae Variant Classification Sherloc (09022015). Collection method: clinical testing. Allele origin: germline.
Comment: In summary, the available evidence is currently insufficient to determine the role of this variant in disease. Therefore, it has been classified as a Variant of Uncertain Significance. Advanced modeling of protein sequence and biophysical properties (such as structural, functional, and spatial information, amino acid conservation, physicochemical variation, residue mobility, and thermodynamic stability) performed at Invitae indicates that this missense variant is expected to disrupt AARS2 protein function. This variant has not been reported in the literature in individuals affected with AARS2-related conditions. This variant is present in population databases (rs763561398, gnomAD 0.0009%). This sequence change replaces glutamic acid, which is acidic and polar, with lysine, which is basic and polar, at codon 567 of the AARS2 protein (p.Glu567Lys).

NM_020745.4(AARS2):c.1699G>A (p.Glu567Lys)

Gene: AARS2 (alanyl-tRNA synthetase 2, mitochondrial; minus strand). Cytogenetic location: 6p21.1.
Variant type: single nucleotide variant.
Coding change: c.1699G>A on transcript NM_020745.4 (MANE Select); coding-DNA position 1699, G replaced by A.
Protein change: p.Glu567Lys; replaces glutamic acid 567 with lysine.
Molecular consequence: missense variant.
Genome position (GRCh38, 1-based): chr6:44,304,698, C>T on the plus strand (G>A on the coding strand, the complement: AARS2 is on the minus strand). VCF-style: chr6-44304698-C-T. GRCh37 (hg19) VCF-style: chr6-44272435-C-T.
Other names: c.1699G>A (NM_020745.2); short protein forms E567K.
Identifiers: ClinVar variation 1955709 (VCV001955709.4), dbSNP rs763561398, ClinGen allele CA3834243.
Genomic context (GRCh38, chr6:44,304,698, plus strand): 5'-GACTCACCTCTTGCCCTGCCCGCACCAGGTAGCCACGGTCTGAAGCCTGGCCCCCCTGTT[C>T]TGCGTAGAAGTTGGTCCTGTCCAAGAGGAGGCCACAGCGCTGGCCTTTCCCCACGGAGGC-3'
Protein context (NP_065796.2, residues 557-577): LLLDRTNFYA[Glu567Lys]QGGQASDRGY